The following is an entry in ClinVar:

NM_001012967.3(DDX60L):c.3174A>G (p.Ala1058=)

Gene: DDX60L (DExD/H-box 60 like; minus strand). Cytogenetic location: 4q32.3.
Variant type: single nucleotide variant.
Coding change: c.3174A>G on transcript NM_001012967.3 (MANE Select); coding-DNA position 3174, A replaced by G.
Protein change: p.Ala1058=; no amino-acid change (alanine 1058 retained).
Molecular consequence: synonymous variant.
Genome position (GRCh38, 1-based): chr4:168,405,989, T>C on the plus strand (A>G on the coding strand, the complement: DDX60L is on the minus strand). VCF-style: chr4-168405989-T-C. GRCh37 (hg19) VCF-style: chr4-169327140-T-C.
Other names: c.3174A>G, p.Ala1058= (NM_001291510.2, NM_001345927.2, NM_001378072.1).
Identifiers: ClinVar variation 2655177 (VCV002655177.24), dbSNP rs375100081, ClinGen allele CA3134348.

ClinVar aggregate classification (germline): Likely benign (1 of 4 stars; one submission).

Allele frequency attached by ClinVar (database versions not stated): 1000 Genomes Project 30x 0.00016; 1000 Genomes Project 0.00020; TOPMed 0.00025; gnomAD exomes 0.00028; gnomAD 0.00030; ExAC 0.00046; ESP Exome Variant Server 0.00050.
gnomAD v4.1: 454 of 1,596,186 alleles (0.028%); highest among the groups gnomAD compares: South Asian, 0.11%; 2 homozygotes.

Submission:

CeGaT Center for Human Genetics Tuebingen
Classification: Likely benign. Last evaluated: 2022-03-01. Review status: criteria provided, single submitter. Criteria: CeGaT Center For Human Genetics Tuebingen Variant Classification Criteria Version 2. Collection method: clinical testing. Allele origin: germline. Affected: yes. Observed: 1 variant allele.
Comment: DDX60L: BP4, BP7